The following is an entry in ClinVar:

NM_181303.2(NLGN3):c.2482A>G (p.Asn828Asp)

Gene: NLGN3 (neuroligin 3; plus strand). Cytogenetic location: Xq13.1.
Variant type: single nucleotide variant.
Coding change: c.2482A>G on transcript NM_181303.2 (MANE Select); coding-DNA position 2482, A replaced by G.
Protein change: p.Asn828Asp; replaces asparagine 828 with aspartic acid.
Molecular consequence: missense variant.
Genome position (GRCh38, 1-based): chrX:71,170,032, A>G. VCF-style: chrX-71170032-A-G. GRCh37 (hg19) VCF-style: chrX-70389882-A-G.
Other names: c.2362A>G, p.Asn788Asp (NM_001166660.2); c.2071A>G, p.Asn691Asp (NM_001321276.2); c.2422A>G, p.Asn808Asp (NM_018977.4); short protein forms N691D, N788D, N808D, N828D.
Identifiers: ClinVar variation 2572808 (VCV002572808.2), dbSNP rs2519775667, ClinGen allele CA413568955.
Genomic context (GRCh38, chrX:71,170,032, plus strand): 5'-CCCAACACCATCACTATGATCCCCAACTCCCTGGTAGGGCTGCAGACATTGCACCCCTAT[A>G]ACACCTTTGCCGCAGGGTTCAACAGTACCGGGCTGCCCCACTCACACTCCACTACCCGGG-3'
Protein context (NP_851820.1, residues 818-838): LVGLQTLHPY[Asn828Asp]TFAAGFNSTG

ClinVar aggregate classification (germline): Uncertain significance (1 of 4 stars; one submission).

Submission:

GeneDx
Classification: Uncertain significance. Last evaluated: 2025-10-11. Review status: criteria provided, single submitter. Criteria: GeneDx Variant Classification Process June 2021. Collection method: clinical testing. Allele origin: germline. Affected: yes.
Comment: Not observed at significant frequency in large population cohorts (gnomAD); In silico analysis suggests that this missense variant does not alter protein structure/function; Has not been previously published as pathogenic or benign to our knowledge